The following is an entry in ClinVar:

ClinVar aggregate classification (germline): Uncertain significance (1 of 4 stars; one submission).

gnomAD v4.1: 1 of 1,613,894 alleles (0.000062%); highest among the groups gnomAD compares: Admixed American, 0.0017%; no homozygotes.

Submission:

Labcorp Genetics (formerly Invitae), Labcorp
Classification: Uncertain significance. Last evaluated: 2022-03-29. Review status: criteria provided, single submitter. Criteria: Invitae Variant Classification Sherloc (09022015). Collection method: clinical testing. Allele origin: germline.
Comment: In summary, the available evidence is currently insufficient to determine the role of this variant in disease. Therefore, it has been classified as a Variant of Uncertain Significance. Algorithms developed to predict the effect of missense changes on protein structure and function are either unavailable or do not agree on the potential impact of this missense change (SIFT: "Deleterious"; PolyPhen-2: "Possibly Damaging"; Align-GVGD: "Class C0"). This variant has not been reported in the literature in individuals affected with LTBP2-related conditions. This variant is present in population databases (rs780277652, gnomAD 0.003%). This sequence change replaces arginine, which is basic and polar, with leucine, which is neutral and non-polar, at codon 1327 of the LTBP2 protein (p.Arg1327Leu).

NM_000428.3(LTBP2):c.3980G>T (p.Arg1327Leu)

Gene: LTBP2 (latent transforming growth factor beta binding protein 2; minus strand). Cytogenetic location: 14q24.3.
Variant type: single nucleotide variant.
Coding change: c.3980G>T on transcript NM_000428.3 (MANE Select); coding-DNA position 3980, G replaced by T.
Protein change: p.Arg1327Leu; replaces arginine 1327 with leucine.
Molecular consequence: missense variant.
Genome position (GRCh38, 1-based): chr14:74,506,751, C>A on the plus strand (G>T on the coding strand, the complement: LTBP2 is on the minus strand). VCF-style: chr14-74506751-C-A. GRCh37 (hg19) VCF-style: chr14-74973454-C-A.
Other names: short protein forms R1327L.
Identifiers: ClinVar variation 2101647 (VCV002101647.4), dbSNP rs780277652, ClinGen allele CA7268923.
Genomic context (GRCh38, chr14:74,506,751, plus strand): 5'-TCCTCACCCACACAGTCCCAGCCTGAGGGAGAGATCTCGAAGCCCTGGTCACAGAGGCAG[C>A]GGAAGGAGCCATCAGTGTTGTCACAGAAGCCGTGGCTGCCACACATGGTGTCGTTGGCGC-3'
Protein context (NP_000419.1, residues 1317-1337): GFCDNTDGSF[Arg1327Leu]CLCDQGFEIS